The following is an entry in ClinVar:

ClinVar aggregate classification (germline): Uncertain significance (1 of 4 stars; one submission).

Conditions:
Cardiovascular phenotype. Identifiers: MedGen CN230736.

Submission:

Ambry Genetics
Classification: Uncertain significance for Cardiovascular phenotype. Last evaluated: 2026-07-01. Review status: criteria provided, single submitter. Criteria: Ambry Variant Classification Scheme 2023. Collection method: clinical testing. Allele origin: germline.
Comment: The p.K2387I variant (also known as c.7160A>T), located in coding exon 26 of the APOB gene, results from an A to T substitution at nucleotide position 7160. The lysine at codon 2387 is replaced by isoleucine, an amino acid with dissimilar properties. This amino acid position is conserved. In addition, this alteration is predicted to be tolerated by in silico analysis. Based on the available evidence, the clinical significance of this variant remains unclear.

NM_000384.3(APOB):c.7160A>T (p.Lys2387Ile)

Gene: APOB (apolipoprotein B; minus strand). Cytogenetic location: 2p24.1.
Variant type: single nucleotide variant.
Coding change: c.7160A>T on transcript NM_000384.3 (MANE Select); coding-DNA position 7160, A replaced by T.
Protein change: p.Lys2387Ile; replaces lysine 2387 with isoleucine.
Molecular consequence: missense variant.
Genome position (GRCh38, 1-based): chr2:21,009,708, T>A on the plus strand (A>T on the coding strand, the complement: APOB is on the minus strand). VCF-style: chr2-21009708-T-A. GRCh37 (hg19) VCF-style: chr2-21232580-T-A.
Other names: short protein forms K2387I.
Identifiers: ClinVar variation 5026921 (VCV005026921.1).